The following is an entry in ClinVar:

NM_000384.3(APOB):c.695C>A (p.Thr232Asn)

Gene: APOB (apolipoprotein B; minus strand). Cytogenetic location: 2p24.1.
Variant type: single nucleotide variant.
Coding change: c.695C>A on transcript NM_000384.3 (MANE Select); coding-DNA position 695, C replaced by A.
Protein change: p.Thr232Asn; replaces threonine 232 with asparagine.
Molecular consequence: missense variant.
Genome position (GRCh38, 1-based): chr2:21,035,707, G>T on the plus strand (C>A on the coding strand, the complement: APOB is on the minus strand). VCF-style: chr2-21035707-G-T. GRCh37 (hg19) VCF-style: chr2-21258579-G-T.
Other names: short protein forms T232N.
Identifiers: ClinVar variation 963637 (VCV000963637.12), dbSNP rs756001082, ClinGen allele CA063888.

ClinVar aggregate classification (germline): Uncertain significance. Review status: criteria provided, multiple submitters, no conflicts (2 of 4 stars). 3 submissions from 3 submitters: Uncertain significance (3). Last evaluated 2023-06-11.

Conditions:
Familial hypobetalipoproteinemia 1. Also called: APOB-Related Familial Hypobetalipoproteinemia; Hypobetalipoproteinemia, normotriglyceridemic; Acanthocytosis with hypobetalipoproteinemia. Identifiers: MedGen C4551990, MONDO:0014252, OMIM 615558.
Hypercholesterolemia, autosomal dominant, type B (FHCL2). Also called: Familial Hypercholesterolemia Type B; APOLIPOPROTEIN B-100, FAMILIAL DEFECTIVE; APOLIPOPROTEIN B-100, FAMILIAL LIGAND-DEFECTIVE; APOB-Related Familial Hypercholesterolemia, Autosomal Dominant; Familial hypercholesterolemia 2; Hyperlipoproteinemia Type IIb. Identifiers: MedGen C1704417, MONDO:0007751, OMIM 144010.
Cardiovascular phenotype. Identifiers: MedGen CN230736.

Allele frequency attached by ClinVar (database versions not stated): gnomAD exomes below 0.00001; TOPMed below 0.00001; ExAC 0.00001.
gnomAD v4.1: 3 of 1,613,968 alleles (0.00019%); highest among the groups gnomAD compares: Non-Finnish European, 0.00025%; no homozygotes.

Submissions (3):

Ambry Genetics
Classification: Uncertain significance for Cardiovascular phenotype. Last evaluated: 2023-06-11. Review status: criteria provided, single submitter. Criteria: Ambry Variant Classification Scheme 2023. Collection method: clinical testing. Allele origin: germline.
Comment: The p.T232N variant (also known as c.695C>A), located in coding exon 7 of the APOB gene, results from a C to A substitution at nucleotide position 695. The threonine at codon 232 is replaced by asparagine, an amino acid with similar properties. This amino acid position is conserved. In addition, this alteration is predicted to be tolerated by in silico analysis. Since supporting evidence is limited at this time, the clinical significance of this alteration remains unclear.

Labcorp Genetics (formerly Invitae), Labcorp
Classification: Uncertain significance for Familial hypobetalipoproteinemia 1; Hypercholesterolemia, autosomal dominant, type B. Last evaluated: 2021-12-19. Review status: criteria provided, single submitter. Criteria: Invitae Variant Classification Sherloc (09022015). Collection method: clinical testing. Allele origin: germline.
Comment: This variant is present in population databases (rs756001082, gnomAD 0.0009%). In summary, the available evidence is currently insufficient to determine the role of this variant in disease. Therefore, it has been classified as a Variant of Uncertain Significance. Algorithms developed to predict the effect of missense changes on protein structure and function output the following: SIFT: "Tolerated"; PolyPhen-2: "Benign"; Align-GVGD: "Class C0". The asparagine amino acid residue is found in multiple mammalian species, which suggests that this missense change does not adversely affect protein function. ClinVar contains an entry for this variant (Variation ID: 963637). This variant has not been reported in the literature in individuals affected with APOB-related conditions. This sequence change replaces threonine, which is neutral and polar, with asparagine, which is neutral and polar, at codon 232 of the APOB protein (p.Thr232Asn).

Fulgent Genetics
Classification: Uncertain significance for Hypercholesterolemia, autosomal dominant, type B; Familial hypobetalipoproteinemia 1. Last evaluated: 2021-11-01. Review status: criteria provided, single submitter. Criteria: ACMG Guidelines, 2015. Collection method: clinical testing. Allele origin: unknown.